The following is an entry in ClinVar:

NM_004092.4(ECHS1):c.637T>C (p.Cys213Arg)

Gene: ECHS1 (enoyl-CoA hydratase, short chain 1; minus strand). Cytogenetic location: 10q26.3.
Variant type: single nucleotide variant.
Coding change: c.637T>C on transcript NM_004092.4 (MANE Select); coding-DNA position 637, T replaced by C.
Protein change: p.Cys213Arg; replaces cysteine 213 with arginine.
Molecular consequence: missense variant.
Genome position (GRCh38, 1-based): chr10:133,366,078, A>G on the plus strand (T>C on the coding strand, the complement: ECHS1 is on the minus strand). VCF-style: chr10-133366078-A-G. GRCh37 (hg19) VCF-style: chr10-135179582-A-G.
Other names: short protein forms C213R.
Identifiers: ClinVar variation 802640 (VCV000802640.2), dbSNP rs1589880497, ClinGen allele CA378819436.

ClinVar aggregate classification (germline): Conflicting classifications of pathogenicity. Review status: criteria provided, conflicting classifications (1 of 4 stars). 2 submissions from 2 submitters: Likely pathogenic (1); Uncertain significance (1). Last evaluated 2023-11-01.

Conditions:
Mitochondrial short-chain Enoyl-Coa hydratase 1 deficiency. Also called: Mitochondrial Short-Chain Enoyl-CoA Hydratase Deficiency; ECHS1 deficiency; PxMD-ECHS1. Identifiers: Orphanet 255241, Orphanet 653880, MedGen C4225391, MONDO:0014563, OMIM 616277.

Submissions (2):

Laboratorio de Genetica e Diagnostico Molecular, Hospital Israelita Albert Einstein
Classification: Uncertain significance for Mitochondrial short-chain Enoyl-Coa hydratase 1 deficiency. Last evaluated: 2023-11-01. Review status: criteria provided, single submitter. Criteria: ACMG Guidelines, 2015. Collection method: clinical testing. Allele origin: germline. Affected: yes.
Comment: ACMG classification criteria: PM2 moderate, BP4 supporting

Mendelics
Classification: Likely pathogenic for Mitochondrial short-chain Enoyl-Coa hydratase 1 deficiency. Last evaluated: 2019-05-28. Review status: criteria provided, single submitter. Criteria: Mendelics Assertion Criteria 2017. Collection method: clinical testing. Allele origin: unknown.